The following is an entry in ClinVar:

ClinVar aggregate classification (germline): Uncertain significance (1 of 4 stars; one submission).

Submission:

GeneDx
Classification: Uncertain significance. Last evaluated: 2025-03-26. Review status: criteria provided, single submitter. Criteria: GeneDx Variant Classification Process June 2021. Collection method: clinical testing. Allele origin: germline. Affected: yes.
Comment: Not observed at significant frequency in large population cohorts (gnomAD); In silico analysis supports that this missense variant has a deleterious effect on protein structure/function; Has not been previously published as pathogenic or benign to our knowledge; In silico analysis is inconclusive as to whether the variant alters gene splicing. In the absence of RNA/functional studies, the actual effect of this sequence change is unknown.

NM_015047.3(EMC1):c.2699C>T (p.Pro900Leu)

Genes: EMC1 (ER membrane protein complex subunit 1; minus strand), EMC1-AS1 (EMC1 antisense RNA 1; plus strand). Cytogenetic location: 1p36.13.
Variant type: single nucleotide variant.
Coding change: c.2699C>T on transcript NM_015047.3 (MANE Select); coding-DNA position 2699, C replaced by T.
Protein change: p.Pro900Leu; replaces proline 900 with leucine.
Molecular consequence: missense variant.
Genome position (GRCh38, 1-based): chr1:19,219,672, G>A on the plus strand (C>T on the coding strand, the complement: EMC1 is on the minus strand). VCF-style: chr1-19219672-G-A. GRCh37 (hg19) VCF-style: chr1-19546166-G-A.
Other names: c.2696C>T, p.Pro899Leu (NM_001271427.2, NM_001271428.2); c.2633C>T, p.Pro878Leu (NM_001271429.2); c.2708C>T, p.Pro903Leu (NM_001375820.1); c.2705C>T, p.Pro902Leu (NM_001375821.1); short protein forms P878L, P903L, P899L, P900L, P902L.
Identifiers: ClinVar variation 4087834 (VCV004087834.1).